The following is an entry in ClinVar:

NM_000350.3(ABCA4):c.735T>G (p.Tyr245Ter)

Gene: ABCA4 (ATP binding cassette subfamily A member 4; minus strand). Cytogenetic location: 1p22.1.
Variant type: single nucleotide variant.
Coding change: c.735T>G on transcript NM_000350.3 (MANE Select); coding-DNA position 735, T replaced by G.
Protein change: p.Tyr245Ter; replaces tyrosine 245 with a stop codon.
Molecular consequence: nonsense.
Genome position (GRCh38, 1-based): chr1:94,098,827, A>C on the plus strand (T>G on the coding strand, the complement: ABCA4 is on the minus strand). VCF-style: chr1-94098827-A-C. GRCh37 (hg19) VCF-style: chr1-94564383-A-C.
Other names: c.735T>G, p.Tyr245Ter (NM_001425324.1); short protein forms Y245*.
Identifiers: ClinVar variation 966011 (VCV000966011.12), dbSNP rs1662208035, ClinGen allele CA341289018.
Genomic context (GRCh38, chr1:94,098,827, plus strand): 5'-TGGCGAGCAGCCAAACCCCTCCCTTACCACACGGAAGAGCTTGAAGAAGTCCACGTTGGC[A>C]TACAGAGTGTCTTCTATCCACTGTAGGGTGCCCTGGGAGAGGGAGCACAGGGCATAGCGC-3'

ClinVar aggregate classification (germline): Pathogenic/Likely pathogenic. Review status: criteria provided, multiple submitters, no conflicts (2 of 4 stars). 6 submissions from 6 submitters: Pathogenic (4); Likely pathogenic (1). 1 of the submissions does not count toward it. Last evaluated 2025-09-22.

Conditions:
ABCA4-related disorder. Also called: ABCA4-related disorders; ABCA4-related condition. Identifiers: MedGen CN239167.
Retinal disorder. Also called: Retinopathies; Retinal Diseases; Retinopathy; Retinal disorders. Identifiers: MedGen C0035309, MONDO:0005283, HP:0000488.
Cone-rod dystrophy 3 (CORD3). Identifiers: Orphanet 1872, MedGen C1858806, MONDO:0011395, OMIM 604116.
Stargardt disease 3. Also called: MACULAR DYSTROPHY WITH FLECKS, TYPE 3; STARGARDT-LIKE MACULAR DYSTROPHY, AUTOSOMAL DOMINANT. Identifiers: Orphanet 827, MedGen C1838644, MONDO:0010819, OMIM 600110.

Allele frequency attached by ClinVar (database versions not stated): gnomAD exomes 0.00001.
gnomAD v4.1: 11 of 1,614,160 alleles (0.00068%); highest among the groups gnomAD compares: Non-Finnish European, 0.00093%; no homozygotes.

Submissions (6):

Genetics Laboratory, Great Ormond Street Hospital NHS Foundation Trust, North Thames Genomic Laboratory Hub
Classification: Pathogenic for Retinal disorders. Last evaluated: 2025-09-22. Review status: criteria provided, single submitter. Criteria: ACGS Best Practice Guidelines for Variant Classification in Rare Disease 2024 v1.2. Collection method: clinical testing. Allele origin: germline. Affected: yes.
Comment: PM2_moderate, PVS1_very-strong, PM3_moderate

Labcorp Genetics (formerly Invitae), Labcorp
Classification: Pathogenic. Last evaluated: 2025-03-17. Review status: criteria provided, single submitter. Criteria: Invitae Variant Classification Sherloc (09022015). Collection method: clinical testing. Allele origin: germline.
Comment: This sequence change creates a premature translational stop signal (p.Tyr245*) in the ABCA4 gene. It is expected to result in an absent or disrupted protein product. Loss-of-function variants in ABCA4 are known to be pathogenic (PMID: 10958761, 24938718, 25312043, 26780318). This variant is not present in population databases (gnomAD no frequency). This premature translational stop signal has been observed in individual(s) with retinal disease (PMID: 19074458, 23755871). ClinVar contains an entry for this variant (Variation ID: 966011). For these reasons, this variant has been classified as Pathogenic.

Blueprint Genetics
Classification: Pathogenic for ABCA4-related disorders. Last evaluated: 2024-05-29. Review status: criteria provided, single submitter. Criteria: ACMG Guidelines, 2015. Collection method: clinical testing. Allele origin: germline. Affected: yes. Observed: 5 variant alleles.

GeneDx
Classification: Pathogenic. Last evaluated: 2022-06-27. Review status: criteria provided, single submitter. Criteria: GeneDx Variant Classification Process June 2021. Collection method: clinical testing. Allele origin: germline. Affected: yes.
Comment: Nonsense variant predicted to result in protein truncation or nonsense mediated decay in a gene for which loss of function is a known mechanism of disease; Not observed at significant frequency in large population cohorts (gnomAD); This variant is associated with the following publications: (PMID: 29099798, 25525159, 33546218, 34945039, 23755871, 32244552, 19074458, 21911583, 15192030, 28947085)

Institute of Medical Molecular Genetics, University of Zurich
Classification: Likely pathogenic for Cone-rod dystrophy 3. Last evaluated: 2021-01-30. Review status: criteria provided, single submitter. Criteria: ACMG Guidelines, 2015. Collection method: clinical testing. Allele origin: unknown. Affected: yes.

Ophthalmo-Genetics Lab, Instituto de Oftalmologia Conde de Valenciana
Classification: Pathogenic for Stargardt disease 3. Review status: no assertion criteria provided. Collection method: research. Allele origin: germline. Inheritance: Autosomal recessive inheritance. Not counted in ClinVar's aggregate classification.

Literature cited by the submitters: PubMed 10958761 (cited by Labcorp Genetics (formerly Invitae), Labcorp); PubMed 24938718 (cited by Labcorp Genetics (formerly Invitae), Labcorp); PubMed 25312043 (cited by Labcorp Genetics (formerly Invitae), Labcorp); PubMed 26780318 (cited by Labcorp Genetics (formerly Invitae), Labcorp); PubMed 19074458 (cited by Labcorp Genetics (formerly Invitae), Labcorp); PubMed 23755871 (cited by Labcorp Genetics (formerly Invitae), Labcorp); PubMed 26551331 (cited by Ophthalmo-Genetics Lab, Instituto de Oftalmologia Conde de Valenciana).